The following is an entry in ClinVar:

ClinVar aggregate classification (germline): Likely benign. Review status: criteria provided, multiple submitters, no conflicts (2 of 4 stars). 2 submissions from 2 submitters: Likely benign (2). Last evaluated 2024-11-11.

Allele frequency attached by ClinVar (database versions not stated): gnomAD 0.00001; TOPMed 0.00003; ExAC 0.00007.
gnomAD v4.1: 54 of 1,611,684 alleles (0.0034%); highest among the groups gnomAD compares: East Asian, 0.054%; no homozygotes.

Submissions (2):

Ambry Genetics
Classification: Likely benign. Last evaluated: 2024-11-11. Review status: criteria provided, single submitter. Criteria: Ambry Variant Classification Scheme 2023. Collection method: clinical testing. Allele origin: germline.

CeGaT Center for Human Genetics Tuebingen
Classification: Likely benign. Last evaluated: 2022-10-01. Review status: criteria provided, single submitter. Criteria: CeGaT Center For Human Genetics Tuebingen Variant Classification Criteria Version 2. Collection method: clinical testing. Allele origin: germline. Affected: yes. Observed: 1 variant allele.
Comment: EVPL: BP4, BP7

NM_001988.4(EVPL):c.5376C>T (p.Ile1792=)

Gene: EVPL (envoplakin; minus strand). Cytogenetic location: 17q25.1.
Variant type: single nucleotide variant.
Coding change: c.5376C>T on transcript NM_001988.4 (MANE Select); coding-DNA position 5376, C replaced by T.
Protein change: p.Ile1792=; no amino-acid change (isoleucine 1792 retained).
Molecular consequence: synonymous variant.
Genome position (GRCh38, 1-based): chr17:76,007,829, G>A on the plus strand (C>T on the coding strand, the complement: EVPL is on the minus strand). VCF-style: chr17-76007829-G-A. GRCh37 (hg19) VCF-style: chr17-74003910-G-A.
Other names: c.5376C>T (NM_001988.2); c.5442C>T, p.Ile1814= (NM_001320747.2).
Identifiers: ClinVar variation 2648287 (VCV002648287.25), dbSNP rs762492634, ClinGen allele CA8777782.
Genomic context (GRCh38, chr17:76,007,829, plus strand): 5'-GAAGAAACTGGTGCTCTGGGGGGCCGGGGAGGCGAGCGGGGACTTGGAGATGATAGAGCC[G>A]ATGGAGAGTGAGGAGCTTGGCTTGGTCTCCCCAGCTACAAGCAGCGCAAACTCGGAGATG-3'
Protein context (NP_001979.2, residues 1782-1802): GETKPSSSLS[Ile1792=]GSIISKSPLA